The following is an entry in ClinVar:

ClinVar aggregate classification (germline): Uncertain significance. Review status: criteria provided, multiple submitters, no conflicts (2 of 4 stars). 2 submissions from 2 submitters: Uncertain significance (2). Last evaluated 2024-12-05.

Conditions:
Catecholaminergic polymorphic ventricular tachycardia 1. Also called: VENTRICULAR TACHYCARDIA, STRESS-INDUCED POLYMORPHIC 1; VENTRICULAR TACHYCARDIA, CATECHOLAMINERGIC POLYMORPHIC, 1, WITH OR WITHOUT ATRIAL DYSFUNCTION AND/OR DILATED CARDIOMYOPATHY; RYR2-Related Catecholaminergic Polymorphic Ventricular Tachycardia. Identifiers: Orphanet 3286, MedGen C1631597, MONDO:0011484, OMIM 604772.
Cardiomyopathy (CMYO). Also called: Cardiomyopathies. Identifiers: Orphanet 167848, MedGen C0878544, MONDO:0004994, HP:0001638. Inheritance: Various modes of inheritance.

Submissions (2):

Labcorp Genetics (formerly Invitae), Labcorp
Classification: Uncertain significance for Catecholaminergic polymorphic ventricular tachycardia 1. Last evaluated: 2024-12-05. Review status: criteria provided, single submitter. Criteria: Invitae Variant Classification Sherloc (09022015). Collection method: clinical testing. Allele origin: germline.
Comment: This sequence change replaces arginine, which is basic and polar, with glycine, which is neutral and non-polar, at codon 3084 of the RYR2 protein (p.Arg3084Gly). This variant is not present in population databases (gnomAD no frequency). This variant has not been reported in the literature in individuals affected with RYR2-related conditions. ClinVar contains an entry for this variant (Variation ID: 2774358). Invitae Evidence Modeling of protein sequence and biophysical properties (such as structural, functional, and spatial information, amino acid conservation, physicochemical variation, residue mobility, and thermodynamic stability) indicates that this missense variant is expected to disrupt RYR2 protein function with a positive predictive value of 95%. In summary, the available evidence is currently insufficient to determine the role of this variant in disease. Therefore, it has been classified as a Variant of Uncertain Significance.

Color Diagnostics, LLC DBA Color Health
Classification: Uncertain significance for Cardiomyopathy. Last evaluated: 2024-03-07. Review status: criteria provided, single submitter. Criteria: ACMG Guidelines, 2015. Collection method: clinical testing. Allele origin: germline.
Comment: This missense variant replaces arginine with glycine at codon 3084 of the RYR2 protein. Computational prediction suggests that this variant may have deleterious impact on protein structure and function (internally defined REVEL score threshold >= 0.7, PMID: 27666373). To our knowledge, functional studies have not been reported for this variant. This variant has not been reported in individuals affected with cardiovascular disorders in the literature. This variant has not been identified in the general population by the Genome Aggregation Database (gnomAD). The available evidence is insufficient to determine the role of this variant in disease conclusively. Therefore, this variant is classified as a Variant of Uncertain Significance.

NM_001035.3(RYR2):c.9250C>G (p.Arg3084Gly)

Gene: RYR2 (ryanodine receptor 2; plus strand). Cytogenetic location: 1q43.
Variant type: single nucleotide variant.
Coding change: c.9250C>G on transcript NM_001035.3 (MANE Select); coding-DNA position 9250, C replaced by G.
Protein change: p.Arg3084Gly; replaces arginine 3084 with glycine.
Molecular consequence: missense variant.
Genome position (GRCh38, 1-based): chr1:237,700,350, C>G. VCF-style: chr1-237700350-C-G. GRCh37 (hg19) VCF-style: chr1-237863650-C-G.
Other names: short protein forms R3084G.
Identifiers: ClinVar variation 2774358 (VCV002774358.4), dbSNP rs1356957973, ClinGen allele CA345405912.
Genomic context (GRCh38, chr1:237,700,350, plus strand): 5'-GCTGCAGAGGATCTGGAGAAGACCATGGAAAACCTCAAGCAGGGCCAGTTCACTCACACC[C>G]GAAACCAGCCCAAAGGGGTTACTCAGATTATCAATTACACCACAGTGGCCCTGCTGCCAA-3'
Protein context (NP_001026.2, residues 3074-3094): NLKQGQFTHT[Arg3084Gly]NQPKGVTQII